The following is an entry in ClinVar:

ClinVar aggregate classification (germline): Uncertain significance (1 of 4 stars; one submission).

Conditions:
LAMA2-related muscular dystrophy (LAMA2-RD). Also called: Laminin alpha 2-related dystrophy. Identifiers: MedGen C5679788, MONDO:0100228.

Submission:

Labcorp Genetics (formerly Invitae), Labcorp
Classification: Uncertain significance for LAMA2-related muscular dystrophy. Last evaluated: 2022-07-12. Review status: criteria provided, single submitter. Criteria: Invitae Variant Classification Sherloc (09022015). Collection method: clinical testing. Allele origin: germline.
Comment: This sequence change replaces leucine, which is neutral and non-polar, with proline, which is neutral and non-polar, at codon 1197 of the LAMA2 protein (p.Leu1197Pro). This variant is not present in population databases (gnomAD no frequency). This variant has not been reported in the literature in individuals affected with LAMA2-related conditions. ClinVar contains an entry for this variant (Variation ID: 1467280). Advanced modeling of protein sequence and biophysical properties (such as structural, functional, and spatial information, amino acid conservation, physicochemical variation, residue mobility, and thermodynamic stability) performed at Invitae indicates that this missense variant is not expected to disrupt LAMA2 protein function. In summary, the available evidence is currently insufficient to determine the role of this variant in disease. Therefore, it has been classified as a Variant of Uncertain Significance.

NM_000426.4(LAMA2):c.3590T>C (p.Leu1197Pro)

Gene: LAMA2 (laminin subunit alpha 2; plus strand). Cytogenetic location: 6q22.33.
Variant type: single nucleotide variant.
Coding change: c.3590T>C on transcript NM_000426.4 (MANE Select); coding-DNA position 3590, T replaced by C.
Protein change: p.Leu1197Pro; replaces leucine 1197 with proline.
Molecular consequence: missense variant.
Genome position (GRCh38, 1-based): chr6:129,315,510, T>C. VCF-style: chr6-129315510-T-C. GRCh37 (hg19) VCF-style: chr6-129636655-T-C.
Other names: c.3590T>C, p.Leu1197Pro (NM_001079823.2); short protein forms L1197P.
Identifiers: ClinVar variation 1467280 (VCV001467280.5), dbSNP rs2114501214, ClinGen allele CA365612687.